The following is an entry in ClinVar:

NM_001042432.2(CLN3):c.566G>A (p.Gly189Glu)

Gene: CLN3 (CLN3 lysosomal/endosomal transmembrane protein, battenin; minus strand). Cytogenetic location: 16p12.1.
Variant type: single nucleotide variant.
Coding change: c.566G>A on transcript NM_001042432.2 (MANE Select); coding-DNA position 566, G replaced by A.
Protein change: p.Gly189Glu; replaces glycine 189 with glutamic acid.
Molecular consequence: missense variant.
Genome position (GRCh38, 1-based): chr16:28,486,458, C>T on the plus strand (G>A on the coding strand, the complement: CLN3 is on the minus strand). VCF-style: chr16-28486458-C-T. GRCh37 (hg19) VCF-style: chr16-28497779-C-T.
Other names: c.566G>A, p.Gly189Glu (NM_000086.2); c.494G>A, p.Gly165Glu (NM_001286104.2); c.266G>A, p.Gly89Glu (NM_001286105.2); c.332G>A, p.Gly111Glu (NM_001286109.2); c.404G>A, p.Gly135Glu (NM_001286110.2); short protein forms G111E, G135E, G165E, G189E, G89E.
Identifiers: ClinVar variation 3896241 (VCV003896241.2).

ClinVar aggregate classification (germline): Uncertain significance (1 of 4 stars; one submission).

Submission:

Women's Health and Genetics/Laboratory Corporation of America, LabCorp
Classification: Uncertain significance. Last evaluated: 2025-04-16. Review status: criteria provided, single submitter. Criteria: LabCorp Variant Classification Summary - May 2015. Collection method: clinical testing. Allele origin: germline.
Comment: Variant summary: CLN3 c.566G>A (p.Gly189Glu) results in a non-conservative amino acid change in the encoded protein sequence. Five of five in-silico tools predict a damaging effect of the variant on protein function. The variant was absent in 247170 control chromosomes. The available data on variant occurrences in the general population are insufficient to allow any conclusion about variant significance. To our knowledge, no occurrence of c.566G>A in individuals affected with Neuronal Ceroid-Lipofuscinosis (Batten Disease) and no experimental evidence demonstrating its impact on protein function have been reported. No submitters have cited clinical-significance assessments for this variant to ClinVar. Based on the evidence outlined above, the variant was classified as uncertain significance.